The following is an entry in ClinVar:

NM_001267550.2(TTN):c.21548G>A (p.Cys7183Tyr)

Gene: TTN (titin; minus strand). Cytogenetic location: 2q31.2.
Variant type: single nucleotide variant.
Coding change: c.21548G>A on transcript NM_001267550.2 (MANE Select); coding-DNA position 21548, G replaced by A.
Protein change: p.Cys7183Tyr; replaces cysteine 7183 with tyrosine.
Molecular consequence: missense variant. On other transcripts: intron variant (3).
Genome position (GRCh38, 1-based): chr2:178,723,552, C>T on the plus strand (G>A on the coding strand, the complement: TTN is on the minus strand). VCF-style: chr2-178723552-C-T. GRCh37 (hg19) VCF-style: chr2-179588279-C-T.
Other names: p.C6866Y:TGC>TAC; c.20597G>A, p.Cys6866Tyr (NM_001256850.1); c.17816G>A, p.Cys5939Tyr (NM_133378.4); c.13282+14530G>A (NM_003319.4); c.13858+14530G>A (NM_133437.4); c.13657+14530G>A (NM_133432.3); short protein forms C5939Y, C7183Y, C6866Y.
Identifiers: ClinVar variation 178242 (VCV000178242.72), dbSNP rs189951108, ClinGen allele CA181891.
Genomic context (GRCh38, chr2:178,723,552, plus strand): 5'-TGAGATATGTCAATATTAAATAATTCCAGTTCTGCCACAGTGTCTTCAAAATAGATGTTG[C>T]ACCGGTCTCCTTTCACTAGTTCTCTGGCACCTCTGAACCAGTTGACTTTGAATGGAGGGG-3'
Protein context (NP_001254479.2, residues 7173-7193): GARELVKGDR[Cys7183Tyr]NIYFEDTVAE

ClinVar aggregate classification (germline): Conflicting classifications of pathogenicity. Review status: criteria provided, conflicting classifications (1 of 4 stars). 19 submissions from 19 submitters: Uncertain significance (6); Benign (1); Likely benign (9). 3 of the submissions do not count toward it. Last evaluated 2025-11-26.

Conditions:
TTN-related disorder. Also called: TTN-related disorders; TTN-related condition; TTN-related disease.
Dilated cardiomyopathy 1G (CMD1G). Identifiers: Orphanet 154, MedGen C1858763, MONDO:0011400, OMIM 604145.
Autosomal recessive limb-girdle muscular dystrophy type 2J (LGMDR10). Also called: Limb-girdle muscular dystrophy, type 2J; MUSCULAR DYSTROPHY, LIMB-GIRDLE, AUTOSOMAL RECESSIVE 10. Identifiers: Orphanet 140922, MedGen C1837342, MONDO:0012127, OMIM 608807.
Arrhythmogenic right ventricular cardiomyopathy (ARVD). Also called: Arrhythmogenic cardiomyopathy; Arrhythmogenic Right Ventricular Cardiomyopathy (ARVC); Cardiomyopathy, ARVC; Arrhythmogenic right ventricular dysplasia. Identifiers: Orphanet 247, MedGen C0349788, MeSH D019571, MONDO:0016587. Disease mechanism: loss of function. Inheritance: Various modes of inheritance.
Cardiomyopathy (CMYO). Also called: Cardiomyopathies. Identifiers: Orphanet 167848, MedGen C0878544, MONDO:0004994, HP:0001638. Inheritance: Various modes of inheritance.
Skeletal dysplasia. Also called: Primary bone dysplasia. Identifiers: Orphanet 364526, MedGen C0410528, MONDO:0018230, HP:0002652.

Allele frequency attached by ClinVar (database versions not stated): ExAC 0.00035; gnomAD exomes 0.00041 and 0.00076; gnomAD 0.00042 and 0.00048; TOPMed 0.00055; ESP Exome Variant Server 0.00084; 1000 Genomes Project 0.00100; 1000 Genomes Project 30x 0.00109.
gnomAD v4.1: 1,164 of 1,613,390 alleles (0.072%); highest among the groups gnomAD compares: Non-Finnish European, 0.09%; 1 homozygote.

Submissions (19):

PreventionGenetics, part of Exact Sciences
Classification: Likely benign for TTN-related condition. Last evaluated: 2025-11-26. Review status: criteria provided, single submitter. Criteria: ACMG Guidelines, 2015. Collection method: clinical testing. Allele origin: germline.
Comment: This variant is classified as likely benign based on ACMG/AMP sequence variant interpretation guidelines (Richards et al. 2015 PMID: 25741868, with internal and published modifications).

Molecular Diagnostic Laboratory for Inherited Cardiovascular Disease, Montreal Heart Institute
Classification: Likely benign. Last evaluated: 2025-04-09. Review status: criteria provided, single submitter. Criteria: ACMG Guidelines, 2015. Collection method: clinical testing. Allele origin: germline. Affected: no.

Blueprint Genetics
Classification: Likely benign. Last evaluated: 2024-10-16. Review status: criteria provided, single submitter. Criteria: ACMG Guidelines, 2015. Collection method: clinical testing. Allele origin: germline.

Athena Diagnostics
Classification: Likely benign. Last evaluated: 2024-05-28. Review status: criteria provided, single submitter. Criteria: Athena Diagnostics Criteria. Collection method: clinical testing. Allele origin: unknown.

Revvity Omics, Revvity
Classification: Likely benign. Last evaluated: 2023-10-05. Review status: criteria provided, single submitter. Criteria: ACMG Guidelines, 2015. Collection method: clinical testing. Allele origin: germline.

Mayo Clinic Laboratories, Mayo Clinic
Classification: Uncertain significance. Last evaluated: 2023-05-22. Review status: criteria provided, single submitter. Criteria: ACMG Guidelines, 2015. Collection method: clinical testing. Allele origin: germline. Observed: 5 variant alleles.

CHEO Genetics Diagnostic Laboratory, Children's Hospital of Eastern Ontario
Classification: Benign for Cardiomyopathy. Last evaluated: 2023-05-16. Review status: criteria provided, single submitter. Criteria: ACMG Guidelines, 2015. Collection method: clinical testing. Allele origin: germline.

CeGaT Center for Human Genetics Tuebingen
Classification: Uncertain significance. Last evaluated: 2021-12-01. Review status: criteria provided, single submitter. Criteria: CeGaT Center For Human Genetics Tuebingen Variant Classification Criteria Version 2. Collection method: clinical testing. Allele origin: germline. Affected: yes. Observed: 1 variant allele.

ARUP Laboratories, Molecular Genetics and Genomics, ARUP Laboratories
Classification: Uncertain significance. Last evaluated: 2021-01-04. Review status: criteria provided, single submitter. Criteria: ARUP Molecular Germline Variant Investigation Process 2021. Collection method: clinical testing. Allele origin: germline.
Comment: The TTN c.21548G>A; p.Cys7183Tyr variant (rs189951108; ClinVar Variation ID: 178242) is rare in the general population (<0.2% allele frequency in the Genome Aggregation Database) and has not been reported in the medical literature in association with dilated cardiomyopathy (DCM) or other TTN-related disease. The clinical relevance of rare missense variants in this gene, which are identified on average once per individual sequenced in affected populations (Herman 2012), is not well understood. Yet, evidence suggests that the vast majority of such missense variants do not contribute to the clinical outcome of DCM (Begay 2015). Thus, the clinical significance of the p.Cys7183Tyr variant cannot be determined with certainty. Begay RL et al. Role of Titin Missense Variants in Dilated Cardiomyopathy. J Am Heart Assoc. 2015 Nov 13;4(11). Herman DS et al. Truncations of titin causing dilated cardiomyopathy. N Engl J Med. 2012 Feb 16;366(7):619-28. Linke WA and Hamdani N. Gigantic business: titin properties and function through thick and thin. Circ Res 2014; 114(6): 1052-1068.

GeneDx
Classification: Likely benign. Last evaluated: 2020-11-06. Review status: criteria provided, single submitter. Criteria: GeneDx Variant Classification Process June 2021. Collection method: clinical testing. Allele origin: germline. Affected: yes.
Comment: This variant is associated with the following publications: (PMID: 23861362, 28771489)

Cambridge Genomics Laboratory, East Genomic Laboratory Hub, NHS Genomic Medicine Service
Classification: Likely benign for Skeletal dysplasia. Last evaluated: 2020-02-05. Review status: criteria provided, single submitter. Criteria: ACGS Best Practice Guidelines for Variant Classification in Rare Disease 2020. Collection method: clinical testing. Allele origin: germline. Affected: yes. Observed: 1 variant allele.

Center for Advanced Laboratory Medicine, UC San Diego Health, University of California San Diego
Classification: Likely benign for Arrhythmogenic right ventricular cardiomyopathy. Last evaluated: 2019-04-09. Review status: criteria provided, single submitter. Criteria: ACMG Guidelines, 2015. Collection method: clinical testing. Allele origin: germline. Affected: yes. Observed: 1 variant allele.

Eurofins Ntd Llc (ga)
Classification: Uncertain significance. Last evaluated: 2018-01-19. Review status: criteria provided, single submitter. Criteria: EGL Classification Definitions 2015. Collection method: clinical testing. Allele origin: germline. Observed: 6 variant alleles, 6 heterozygotes.

Labcorp Genetics (formerly Invitae), Labcorp
Classification: Uncertain significance for Dilated cardiomyopathy 1G; Autosomal recessive limb-girdle muscular dystrophy type 2J. Last evaluated: 2017-11-17. Review status: criteria provided, single submitter. Criteria: Invitae Variant Classification Sherloc (09022015). Collection method: clinical testing. Allele origin: germline.

Laboratory for Molecular Medicine, Mass General Brigham Personalized Medicine
Classification: Uncertain significance. Last evaluated: 2017-09-12. Review status: criteria provided, single submitter. Criteria: LMM Criteria. Collection method: clinical testing. Allele origin: germline. Observed: 4 variant alleles.
Comment: The p.Cys5939Tyr variant in TTN has been identified by our laboratory in 1 indiv idual with RCM and 1 with HCM; however, both individuals harbor pathogenic varia nts in other genes responsible for their symptoms. This variant has been identif ied in 76/126152 of European chromosomes by the Genome Aggregation Database (gno mAD; dbSNP rs189951108) and has been reported in ClinVar (Variation ID: 178242). Computational prediction tools and conservat ion analysis suggest that the p.Cys5939Tyr variant may impact the protein, thoug h this information is not predictive enough to determine pathogenicity. In summa ry, the clinical significance of the p.Cys5939Tyr variant is uncertain.

Biesecker Lab/Clinical Genomics Section, National Institutes of Health
Classification: Likely benign. Last evaluated: 2013-06-24. Review status: criteria provided, single submitter. Criteria: Ng et al. (Circ Cardiovasc Genet. 2013). Collection method: research. Allele origin: unknown. Observed: 1 variant allele. Study: ClinSeq.
Comment: The study set was not selected for affection status in relation to any cancer. Pathogenicity categories were based on literature curation. See Pubmed ID:23861362 for details.

Medical sequencing

Clinical Genetics DNA and cytogenetics Diagnostics Lab, Erasmus MC, Erasmus Medical Center
Classification: Uncertain significance. Review status: no assertion criteria provided. Collection method: clinical testing. Allele origin: germline. Affected: yes. Study: VKGL Data-share Consensus. Not counted in ClinVar's aggregate classification.

Clinical Genetics, Academic Medical Center
Classification: Uncertain significance. Review status: no assertion criteria provided. Collection method: clinical testing. Allele origin: germline. Affected: yes. Study: VKGL Data-share Consensus. Not counted in ClinVar's aggregate classification.

Diagnostic Laboratory, Department of Genetics, University Medical Center Groningen
Classification: Uncertain significance. Review status: no assertion criteria provided. Collection method: clinical testing. Allele origin: germline. Affected: yes. Study: VKGL Data-share Consensus. Not counted in ClinVar's aggregate classification.

Literature cited by the submitters: PubMed 26516846 (cited by Athena Diagnostics); PubMed 29420653 (cited by Athena Diagnostics); PubMed 28771489 (cited by Athena Diagnostics); PubMed 28697927 (cited by Mayo Clinic Laboratories, Mayo Clinic); PubMed 23861362 (cited by Laboratory for Molecular Medicine, Mass General Brigham Personalized Medicine).